The following is an entry in ClinVar:

ClinVar aggregate classification (germline): Uncertain significance. Review status: criteria provided, multiple submitters, no conflicts (2 of 4 stars). 2 submissions from 2 submitters: Uncertain significance (2). Last evaluated 2025-08-07.

Allele frequency attached by ClinVar (database versions not stated): gnomAD exomes below 0.00001.
gnomAD v4.1: 1 of 1,611,402 alleles (0.000062%); highest among the groups gnomAD compares: Admixed American, 0.0017%; no homozygotes.

Submissions (2):

GeneDx
Classification: Uncertain significance. Last evaluated: 2025-08-07. Review status: criteria provided, single submitter. Criteria: GeneDx Variant Classification Process June 2021. Collection method: clinical testing. Allele origin: germline. Affected: yes.
Comment: Not observed at significant frequency in large population cohorts (gnomAD); In silico analysis suggests that this missense variant does not alter protein structure/function; Has not been previously published as pathogenic or benign to our knowledge; This variant is associated with the following publications: (PMID: 25240749)

Labcorp Genetics (formerly Invitae), Labcorp
Classification: Uncertain significance. Last evaluated: 2025-07-30. Review status: criteria provided, single submitter. Criteria: Invitae Variant Classification Sherloc (09022015). Collection method: clinical testing. Allele origin: germline.
Comment: This sequence change replaces valine, which is neutral and non-polar, with alanine, which is neutral and non-polar, at codon 1416 of the COL11A1 protein (p.Val1416Ala). This variant is present in population databases (no rsID available, gnomAD 0.003%). This variant has not been reported in the literature in individuals affected with COL11A1-related conditions. ClinVar contains an entry for this variant (Variation ID: 2133869). Experimental studies and prediction algorithms are not available or were not evaluated, and the functional significance of this variant is currently unknown. In summary, the available evidence is currently insufficient to determine the role of this variant in disease. Therefore, it has been classified as a Variant of Uncertain Significance.

NM_001854.4(COL11A1):c.4247T>C (p.Val1416Ala)

Gene: COL11A1 (collagen type XI alpha 1 chain; minus strand). Cytogenetic location: 1p21.1.
Variant type: single nucleotide variant.
Coding change: c.4247T>C on transcript NM_001854.4 (MANE Select); coding-DNA position 4247, T replaced by C.
Protein change: p.Val1416Ala; replaces valine 1416 with alanine.
Molecular consequence: missense variant. On other transcripts: non-coding transcript variant (1).
Genome position (GRCh38, 1-based): chr1:102,898,667, A>G on the plus strand (T>C on the coding strand, the complement: COL11A1 is on the minus strand). VCF-style: chr1-102898667-A-G. GRCh37 (hg19) VCF-style: chr1-103364223-A-G.
Other names: c.4247T>C (NM_001854.3); c.3899T>C, p.Val1300Ala (NM_001168249.1, NM_080630.4); c.4130T>C, p.Val1377Ala (NM_001190709.2); c.4283T>C, p.Val1428Ala (NM_080629.3); short protein forms V1416A, V1300A, V1428A, V1377A.
Identifiers: ClinVar variation 2133869 (VCV002133869.5), dbSNP rs1467256592, ClinGen allele CA341155243.